The following is an entry in ClinVar:

NM_001048174.2(MUTYH):c.443G>A (p.Gly148Asp)

Gene: MUTYH (mutY DNA glycosylase; minus strand). Cytogenetic location: 1p34.1.
Variant type: single nucleotide variant.
Coding change: c.443G>A on transcript NM_001048174.2 (MANE Select); coding-DNA position 443, G replaced by A.
Protein change: p.Gly148Asp; replaces glycine 148 with aspartic acid.
Molecular consequence: missense variant. On other transcripts: non-coding transcript variant (2).
Genome position (GRCh38, 1-based): chr1:45,332,812, C>T on the plus strand (G>A on the coding strand, the complement: MUTYH is on the minus strand). VCF-style: chr1-45332812-C-T. GRCh37 (hg19) VCF-style: chr1-45798484-C-T.
Other names: c.488G>A, p.Gly163Asp (NM_001293190.2); c.476G>A, p.Gly159Asp (NM_001293191.2); c.167G>A, p.Gly56Asp (NM_001293192.2, NM_001293196.2); c.443G>A, p.Gly148Asp (NM_001293195.2, NM_001048171.2, NM_001048173.2); c.98G>A, p.Gly33Asp (NM_001350650.2, NM_001350651.2); c.518G>A, p.Gly173Asp (NM_012222.3); c.446G>A, p.Gly149Asp (NM_001048172.2); c.527G>A, p.Gly176Asp (NM_001128425.2); short protein forms G176D, G149D, G148D, G163D, G33D, G159D, G173D, G56D.
Identifiers: ClinVar variation 406865 (VCV000406865.9), dbSNP rs1060501345, ClinGen allele CA16610143.

ClinVar aggregate classification (germline): Conflicting classifications of pathogenicity. Review status: criteria provided, conflicting classifications (1 of 4 stars). 2 submissions from 2 submitters: Likely pathogenic (1); Uncertain significance (1). Last evaluated 2025-08-15.

Conditions:
Hereditary cancer-predisposing syndrome. Also called: Tumor predisposition; Hereditary Cancer Syndrome; Hereditary neoplastic syndrome; Neoplastic Syndromes, Hereditary. Identifiers: Orphanet 140162, MedGen C0027672, MeSH D009386, MONDO:0015356.
Familial adenomatous polyposis 2. Also called: COLORECTAL ADENOMATOUS POLYPOSIS, AUTOSOMAL RECESSIVE; MUTYH Polyposis; MUTYH-associated polyposis; MUTYH-related attenuated familial adenomatous polyposis; Adenomas, multiple colorectal; ADENOMAS, MULTIPLE COLORECTAL, AUTOSOMAL RECESSIVE. Identifiers: Orphanet 220460, Orphanet 247798, MedGen C3272841, MONDO:0012041, OMIM 608456.

Submissions (2):

Ambry Genetics
Classification: Likely pathogenic for Hereditary cancer-predisposing syndrome. Last evaluated: 2025-08-15. Review status: criteria provided, single submitter. Criteria: Ambry Variant Classification Scheme 2023. Collection method: clinical testing. Allele origin: germline.
Comment: The p.G176D variant (also known as c.527G>A), located in coding exon 7 of the MUTYH gene, results from a G to A substitution at nucleotide position 527. The glycine at codon 176 is replaced by aspartic acid, an amino acid with similar properties. In a massively parallel cell-based functional assay testing 7,8-dihydro-8- oxoguanine:adenine (8OG:A) repair activity, a byproduct of oxidative damage, this variant was reported to be non-functional (Hemker SL et al. Am J Hum Genet. Published online July 29, 2025. DOI: 10.1016/j.ajhg.2025.07.005). This amino acid position is highly conserved in available vertebrate species. In addition, this alteration is predicted to be deleterious by in silico analysis. This variant is considered to be rare based on population cohorts in the Genome Aggregation Database (gnomAD). Based on the majority of available evidence to date, this variant is likely to be pathogenic.

Labcorp Genetics (formerly Invitae), Labcorp
Classification: Uncertain significance for Familial adenomatous polyposis 2. Last evaluated: 2018-04-25. Review status: criteria provided, single submitter. Criteria: Invitae Variant Classification Sherloc (09022015). Collection method: clinical testing. Allele origin: germline.
Comment: This sequence change replaces glycine with aspartic acid at codon 176 of the MUTYH protein (p.Gly176Asp). The glycine residue is highly conserved and there is a moderate physicochemical difference between glycine and aspartic acid. This variant is not present in population databases (ExAC no frequency). This variant has not been reported in the literature in individuals with MUTYH-related disease. ClinVar contains an entry for this variant (Variation ID: 406865). In summary, this variant is a novel missense change with uncertain impact on protein function. It has been classified as a Variant of Uncertain Significance. Algorithms developed to predict the effect of missense changes on protein structure and function (SIFT, PolyPhen-2, Align-GVGD) all suggest that this variant is likely to be disruptive, but these predictions have not been confirmed by published functional studies.

Literature cited by the submitters: PubMed 40738107 (cited by Ambry Genetics).